The following is an entry in ClinVar:

ClinVar aggregate classification (germline): Uncertain significance (1 of 4 stars; one submission).

gnomAD v4.1: 20 of 1,614,164 alleles (0.0012%); highest among the groups gnomAD compares: South Asian, 0.0044%; no homozygotes.

Submission:

Labcorp Genetics (formerly Invitae), Labcorp
Classification: Uncertain significance. Last evaluated: 2025-10-01. Review status: criteria provided, single submitter. Criteria: Invitae Variant Classification Sherloc (09022015). Collection method: clinical testing. Allele origin: germline.
Comment: This sequence change replaces arginine, which is basic and polar, with glutamine, which is neutral and polar, at codon 67 of the SERPINF1 protein (p.Arg67Gln). This variant is present in population databases (rs753681259, gnomAD 0.004%). This variant has not been reported in the literature in individuals affected with SERPINF1-related conditions. Invitae Evidence Modeling of protein sequence and biophysical properties (such as structural, functional, and spatial information, amino acid conservation, physicochemical variation, residue mobility, and thermodynamic stability) indicates that this missense variant is not expected to disrupt SERPINF1 protein function with a negative predictive value of 80%. Algorithms developed to predict the effect of sequence changes on RNA splicing suggest that this variant may create or strengthen a splice site. In summary, the available evidence is currently insufficient to determine the role of this variant in disease. Therefore, it has been classified as a Variant of Uncertain Significance.

NM_002615.7(SERPINF1):c.200G>A (p.Arg67Gln)

Genes: SERPINF1 (serpin family F member 1; plus strand), LOC130059891 (ATAC-STARR-seq lymphoblastoid active region 11456; plus strand). Cytogenetic location: 17p13.3.
Variant type: single nucleotide variant.
Coding change: c.200G>A on transcript NM_002615.7 (MANE Select); coding-DNA position 200, G replaced by A.
Protein change: p.Arg67Gln; replaces arginine 67 with glutamine.
Molecular consequence: missense variant. On other transcripts: 5 prime UTR variant (1).
Genome position (GRCh38, 1-based): chr17:1,769,967, G>A. VCF-style: chr17-1769967-G-A. GRCh37 (hg19) VCF-style: chr17-1673261-G-A.
Other names: c.200G>A, p.Arg67Gln (NM_001329903.2); c.-362G>A (NM_001329904.2); short protein forms R67Q.
Identifiers: ClinVar variation 4708976 (VCV004708976.1).